The following is an entry in ClinVar:

NM_206937.2(LIG4):c.1289T>C (p.Met430Thr)

Gene: LIG4 (DNA ligase 4; minus strand). Cytogenetic location: 13q33.3.
Variant type: single nucleotide variant.
Coding change: c.1289T>C on transcript NM_206937.2 (MANE Select); coding-DNA position 1289, T replaced by C.
Protein change: p.Met430Thr; replaces methionine 430 with threonine.
Molecular consequence: missense variant.
Genome position (GRCh38, 1-based): chr13:108,209,980, A>G on the plus strand (T>C on the coding strand, the complement: LIG4 is on the minus strand). VCF-style: chr13-108209980-A-G. GRCh37 (hg19) VCF-style: chr13-108862328-A-G.
Other names: c.1289T>C, p.Met430Thr (NM_001098268.2, NM_001352598.2, NM_001352599.2 and 6 more transcripts); c.1088T>C, p.Met363Thr (NM_001330595.2); c.1325T>C, p.Met442Thr (NM_001352604.2); short protein forms M363T, M430T, M442T.
Identifiers: ClinVar variation 2099770 (VCV002099770.1), dbSNP rs1217662150, ClinGen allele CA388617888.

ClinVar aggregate classification (germline): Uncertain significance (1 of 4 stars; one submission).

Conditions:
DNA ligase IV deficiency. Identifiers: Orphanet 99812, MedGen C1847827, MONDO:0011686, OMIM 606593.

Allele frequency attached by ClinVar (database versions not stated): gnomAD exomes below 0.00001; TOPMed 0.00001.
gnomAD v4.1: 2 of 1,613,034 alleles (0.00012%); highest among the groups gnomAD compares: South Asian, 0.0022%; no homozygotes.

Submission:

Labcorp Genetics (formerly Invitae), Labcorp
Classification: Uncertain significance for DNA ligase IV deficiency. Last evaluated: 2022-07-14. Review status: criteria provided, single submitter. Criteria: Invitae Variant Classification Sherloc (09022015). Collection method: clinical testing. Allele origin: germline.
Comment: This sequence change replaces methionine, which is neutral and non-polar, with threonine, which is neutral and polar, at codon 430 of the LIG4 protein (p.Met430Thr). This variant is not present in population databases (gnomAD no frequency). This variant has not been reported in the literature in individuals affected with LIG4-related conditions. Algorithms developed to predict the effect of missense changes on protein structure and function are either unavailable or do not agree on the potential impact of this missense change (SIFT: "Tolerated"; PolyPhen-2: "Benign"; Align-GVGD: "Class C25"). In summary, the available evidence is currently insufficient to determine the role of this variant in disease. Therefore, it has been classified as a Variant of Uncertain Significance.